The following is an entry in ClinVar:

ClinVar aggregate classification (germline): Uncertain significance (1 of 4 stars; one submission).

gnomAD v4.1: 5 of 881,750 alleles (0.00057%); highest among the groups gnomAD compares: Non-Finnish European, 0.00079%; no homozygotes.

Submission:

Labcorp Genetics (formerly Invitae), Labcorp
Classification: Uncertain significance. Last evaluated: 2025-06-11. Review status: criteria provided, single submitter. Criteria: Invitae Variant Classification Sherloc (09022015). Collection method: clinical testing. Allele origin: germline.
Comment: This sequence change replaces arginine, which is basic and polar, with lysine, which is basic and polar, at codon 516 of the STAG2 protein (p.Arg516Lys). This variant is present in population databases (rs756013111, gnomAD 0.003%). This variant has not been reported in the literature in individuals affected with STAG2-related conditions. Invitae Evidence Modeling of protein sequence and biophysical properties (such as structural, functional, and spatial information, amino acid conservation, physicochemical variation, residue mobility, and thermodynamic stability) indicates that this missense variant is not expected to disrupt STAG2 protein function with a negative predictive value of 80%. In summary, the available evidence is currently insufficient to determine the role of this variant in disease. Therefore, it has been classified as a Variant of Uncertain Significance.

NM_001042750.2(STAG2):c.1547G>A (p.Arg516Lys)

Gene: STAG2 (STAG2 cohesin complex component; plus strand). Cytogenetic location: Xq25.
Variant type: single nucleotide variant.
Coding change: c.1547G>A on transcript NM_001042750.2 (MANE Select); coding-DNA position 1547, G replaced by A.
Protein change: p.Arg516Lys; replaces arginine 516 with lysine.
Molecular consequence: missense variant.
Genome position (GRCh38, 1-based): chrX:124,061,783, G>A. VCF-style: chrX-124061783-G-A. GRCh37 (hg19) VCF-style: chrX-123195633-G-A.
Other names: c.1547G>A, p.Arg516Lys (NM_001042749.2, NM_001042751.2, NM_001282418.2 and 23 more transcripts); short protein forms R516K.
Identifiers: ClinVar variation 4761078 (VCV004761078.1).
Genomic context (GRCh38, chrX:124,061,783, plus strand): 5'-AATAAGCTAACTCTTTCTGACTTTTTTTTTTTTTTTTTTTTTTTTTAGCACTAACAGATA[G>A]GCAAGAGAGTGCTCTGATTGAAATAATGCTTTGTACCATTAGACAAGCGGCTGAATGTCA-3'
Protein context (NP_001036215.1, residues 506-526): PLSGEEALTD[Arg516Lys]QESALIEIML